The following is an entry in ClinVar:

NM_004456.5(EZH2):c.1240+48G>A

Gene: EZH2 (enhancer of zeste 2 polycomb repressive complex 2 subunit; minus strand). Cytogenetic location: 7q36.1.
Variant type: single nucleotide variant.
Coding change: c.1240+48G>A on transcript NM_004456.5 (MANE Select); 48 bases into the intron after coding-DNA position 1240, G replaced by A.
Molecular consequence: intron variant.
Genome position (GRCh38, 1-based): chr7:148,817,829, C>T on the plus strand (G>A on the coding strand, the complement: EZH2 is on the minus strand). VCF-style: chr7-148817829-C-T. GRCh37 (hg19) VCF-style: chr7-148514921-C-T.
Other names: c.1198+48G>A (NM_001203248.2, NM_001203249.2); c.1108+48G>A (NM_152998.3); c.1225+48G>A (NM_001203247.2).
Identifiers: ClinVar variation 135537 (VCV000135537.2), dbSNP rs75046025, ClinGen allele CA162994.

ClinVar aggregate classification (germline): Likely benign. Review status: criteria provided, multiple submitters, no conflicts (2 of 4 stars). 3 submissions from 3 submitters: Likely benign (2). 1 of the submissions does not count toward it. Last evaluated 2018-06-14.

Allele frequency attached by ClinVar (database versions not stated): gnomAD 0.01183 and 0.01104; gnomAD exomes 0.00289 and 0.00101; 1000 Genomes Project 30x 0.01374; 1000 Genomes Project 0.01298; ExAC 0.00370; TOPMed 0.01250; ESP Exome Variant Server 0.01284.
gnomAD v4.1: 3,264 of 1,613,258 alleles (0.2%); highest among the groups gnomAD compares: African/African-American, 3.8%; 63 homozygotes.

Submissions (3):

GeneDx
Classification: Likely benign. Last evaluated: 2018-06-14. Review status: criteria provided, single submitter. Criteria: GeneDx Variant Classification (06012015). Collection method: clinical testing. Allele origin: germline. Affected: yes.
Comment: This variant is considered likely benign or benign based on one or more of the following criteria: it is a conservative change, it occurs at a poorly conserved position in the protein, it is predicted to be benign by multiple in silico algorithms, and/or has population frequency not consistent with disease.

Breakthrough Genomics
Classification: Likely benign. Review status: criteria provided, single submitter. Criteria: ACMG Guidelines, 2015. Collection method: not provided. Allele origin: germline. Inheritance: Autosomal dominant inheritance. Affected: yes.

ITMI
No classification provided. Condition: AllHighlyPenetrant. Last evaluated: 2013-09-19. Review status: no classification provided. Collection method: reference population. Allele origin: germline. Not counted in ClinVar's aggregate classification.
Comment: Please see associated publication for description of ethnicities

Literature cited by the submitters: PubMed 24728327 (cited by ITMI).